The following is an entry in ClinVar:

NM_002386.4(MC1R):c.511G>T (p.Ala171Ser)

Gene: MC1R (melanocortin 1 receptor; plus strand). Cytogenetic location: 16q24.3.
Variant type: single nucleotide variant.
Coding change: c.511G>T on transcript NM_002386.4 (MANE Select); coding-DNA position 511, G replaced by T.
Protein change: p.Ala171Ser; replaces alanine 171 with serine.
Molecular consequence: missense variant.
Genome position (GRCh38, 1-based): chr16:89,919,769, G>T. VCF-style: chr16-89919769-G-T. GRCh37 (hg19) VCF-style: chr16-89986177-G-T.
Other names: short protein forms A171S.
Identifiers: ClinVar variation 2800984 (VCV002800984.3), dbSNP rs35784916, ClinGen allele CA286607507.

ClinVar aggregate classification (germline): Uncertain significance (1 of 4 stars; one submission).

Conditions:
Melanoma, cutaneous malignant, susceptibility to, 5. Also called: Cutaneous malignant melanoma 5. Identifiers: Orphanet 618, MedGen C2751295, MONDO:0013133, OMIM 613099.

Allele frequency attached by ClinVar (database versions not stated): TOPMed 0.00001.

Submission:

Labcorp Genetics (formerly Invitae), Labcorp
Classification: Uncertain significance for Melanoma, cutaneous malignant, susceptibility to, 5. Last evaluated: 2023-08-17. Review status: criteria provided, single submitter. Criteria: Invitae Variant Classification Sherloc (09022015). Collection method: clinical testing. Allele origin: germline.
Comment: In summary, the available evidence is currently insufficient to determine the role of this variant in disease. Therefore, it has been classified as a Variant of Uncertain Significance. Advanced modeling of protein sequence and biophysical properties (such as structural, functional, and spatial information, amino acid conservation, physicochemical variation, residue mobility, and thermodynamic stability) performed at Invitae indicates that this missense variant is not expected to disrupt MC1R protein function. This variant has not been reported in the literature in individuals affected with MC1R-related conditions. This variant is not present in population databases (gnomAD no frequency). This sequence change replaces alanine, which is neutral and non-polar, with serine, which is neutral and polar, at codon 171 of the MC1R protein (p.Ala171Ser).